The following is an entry in ClinVar:

ClinVar aggregate classification (germline): Conflicting classifications of pathogenicity. Review status: criteria provided, conflicting classifications (1 of 4 stars). 2 submissions from 2 submitters: Likely pathogenic (1); Uncertain significance (1). Last evaluated 2026-01-28.

Conditions:
Metachromatic leukodystrophy (MLD). Also called: ARSA DEFICIENCY; CEREBROSIDE SULFATASE DEFICIENCY; METACHROMATIC LEUKOENCEPHALOPATHY; SULFATIDE LIPIDOSIS; Cerebral sclerosis diffuse metachromatic form; Arylsulfatase A Deficiency. Identifiers: Orphanet 512, MedGen C0023522, MONDO:0018868, OMIM 250100.

gnomAD v4.1: 1 of 1,613,432 alleles (0.000062%); highest among the groups gnomAD compares: African/African-American, 0.0013%; no homozygotes.

Submissions (2):

Labcorp Genetics (formerly Invitae), Labcorp
Classification: Likely pathogenic for Metachromatic leukodystrophy. Last evaluated: 2026-01-28. Review status: criteria provided, single submitter. Criteria: Invitae Variant Classification Sherloc (09022015). Collection method: clinical testing. Allele origin: germline.
Comment: This sequence change replaces arginine, which is basic and polar, with proline, which is neutral and non-polar, at codon 301 of the ARSA protein (p.Arg301Pro). This variant is not present in population databases (gnomAD no frequency). This missense change has been observed in individual(s) with metachromatic leukodystrophy (PMID: 30674982, 34323022). This variant is also known as c.896G>C (p.Arg299Trp). ClinVar contains an entry for this variant (Variation ID: 3768620). Invitae Evidence Modeling of protein sequence and biophysical properties (such as structural, functional, and spatial information, amino acid conservation, physicochemical variation, residue mobility, and thermodynamic stability) indicates that this missense variant is expected to disrupt ARSA protein function with a positive predictive value of 95%. This variant disrupts the p.Arg301 amino acid residue in ARSA. Other variant(s) that disrupt this residue have been determined to be pathogenic (PMID: 12809637, 26462614, 30674982). This suggests that this residue is clinically significant, and that variants that disrupt this residue are likely to be disease-causing. In summary, the currently available evidence indicates that the variant is pathogenic, but additional data are needed to prove that conclusively. Therefore, this variant has been classified as Likely Pathogenic.

Women's Health and Genetics/Laboratory Corporation of America, LabCorp
Classification: Uncertain significance. Last evaluated: 2025-02-11. Review status: criteria provided, single submitter. Criteria: LabCorp Variant Classification Summary - May 2015. Collection method: clinical testing. Allele origin: germline.
Comment: Variant summary: ARSA c.902G>C (p.Arg301Pro) results in a non-conservative amino acid change in the encoded protein sequence. Five of five in-silico tools predict a damaging effect of the variant on protein function. The variant was absent in 248566 control chromosomes. The available data on variant occurrences in the general population are insufficient to allow any conclusion about variant significance. c.902G>C has been reported in the literature in an individual affected with Metachromatic Leukodystrophy (e.g., Argente-Escrig_2021). This report does not provide unequivocal conclusions about association of the variant with Metachromatic Leukodystrophy. To our knowledge, no experimental evidence demonstrating an impact on protein function has been reported. The following publication has been ascertained in the context of this evaluation (PMID: 34323022). No submitters have cited clinical-significance assessments for this variant to ClinVar. Other missense variants at this amino acid postion have been submitted as pathogenic/likely pathogenic to ClinVar, suggesting this codon could be critical for normal function of the protein. Based on the evidence outlined above, the variant was classified as uncertain significance.

Literature cited by the submitters: PubMed 30674982 (cited by Labcorp Genetics (formerly Invitae), Labcorp); PubMed 34323022 (cited by Labcorp Genetics (formerly Invitae), Labcorp and Women's Health and Genetics/Laboratory Corporation of America, LabCorp); PubMed 12809637 (cited by Labcorp Genetics (formerly Invitae), Labcorp); PubMed 26462614 (cited by Labcorp Genetics (formerly Invitae), Labcorp).

NM_000487.6(ARSA):c.902G>C (p.Arg301Pro)

Gene: ARSA (arylsulfatase A; minus strand). Cytogenetic location: 22q13.33.
Variant type: single nucleotide variant.
Coding change: c.902G>C on transcript NM_000487.6 (MANE Select); coding-DNA position 902, G replaced by C.
Protein change: p.Arg301Pro; replaces arginine 301 with proline.
Molecular consequence: missense variant.
Genome position (GRCh38, 1-based): chr22:50,626,231, C>G on the plus strand (G>C on the coding strand, the complement: ARSA is on the minus strand). VCF-style: chr22-50626231-C-G. GRCh37 (hg19) VCF-style: chr22-51064659-C-G.
Other names: c.902G>C, p.Arg301Pro (NM_001085426.3, NM_001085427.3, NM_001085425.3); c.644G>C, p.Arg215Pro (NM_001085428.3, NM_001362782.2); short protein forms R215P, R301P.
Identifiers: ClinVar variation 3768620 (VCV003768620.2).
Genomic context (GRCh38, chr22:50,626,231, plus strand): 5'-GGCCAGAAGGCCAAGGCAGGCTCTCGGACACCGCCCTCGTAGGTCGTTCCCTTTCCACAC[C>G]GCAAGAGACCGGAGCAGCCGCCTCGGGACATACGCATGGTCTCAGGTCTGGGACACAGGA-3'
Protein context (NP_000478.3, residues 291-311): MSRGGCSGLL[Arg301Pro]CGKGTTYEGG